The following is an entry in ClinVar:

ClinVar aggregate classification (germline): Likely benign. Review status: criteria provided, multiple submitters, no conflicts (2 of 4 stars). 2 submissions from 2 submitters: Likely benign (2). Last evaluated 2026-09-22.

Conditions:
Neurofibromatosis, type 1 (NF1). Also called: NEUROFIBROMATOSIS, TYPE I, SOMATIC; Neurofibromatosis, type I; VON RECKLINGHAUSEN DISEASE; Peripheral type neurofibromatosis. Identifiers: Orphanet 636, MedGen C0027831, MONDO:0018975, OMIM 162200. Disease mechanism: loss of function.

Allele frequency attached by ClinVar (database versions not stated): ExAC 0.00001; gnomAD exomes below 0.00001.
gnomAD v4.1: 1 of 1,613,198 alleles (0.000062%); highest among the groups gnomAD compares: South Asian, 0.0011%; no homozygotes.

Submissions (2):

Myriad Genetics, Inc.
Classification: Likely benign for Neurofibromatosis, type 1. Last evaluated: 2026-09-22. Review status: criteria provided, single submitter. Criteria: Myriad Autosomal Dominant, Autosomal Recessive and X-Linked Classification Criteria (2023). Collection method: clinical testing. Allele origin: unknown.
Comment: This variant is considered likely benign. This variant is intronic and is not expected to impact mRNA splicing.

Labcorp Genetics (formerly Invitae), Labcorp
Classification: Likely benign for Neurofibromatosis, type 1. Last evaluated: 2025-12-29. Review status: criteria provided, single submitter. Criteria: Invitae Variant Classification Sherloc (09022015). Collection method: clinical testing. Allele origin: germline.

NM_001042492.3(NF1):c.6007-18T>C

Gene: NF1 (neurofibromin 1; plus strand). Cytogenetic location: 17q11.2.
Variant type: single nucleotide variant.
Coding change: c.6007-18T>C on transcript NM_001042492.3 (MANE Select); 18 bases into the intron before coding-DNA position 6007, T replaced by C.
Molecular consequence: intron variant.
Genome position (GRCh38, 1-based): chr17:31,336,315, T>C. VCF-style: chr17-31336315-T-C. GRCh37 (hg19) VCF-style: chr17-29663333-T-C.
Other names: c.5944-18T>C (NM_000267.4).
Identifiers: ClinVar variation 1625334 (VCV001625334.9), dbSNP rs770210362, ClinGen allele CA8487289.